The following is an entry in ClinVar:

ClinVar aggregate classification (germline): Benign. Review status: reviewed by expert panel (3 of 4 stars). 15 submissions from 15 submitters: Benign (1). 14 of the submissions do not count toward it. Last evaluated 2019-06-18.

Conditions:
Hereditary breast ovarian cancer syndrome. Also called: BRCA1- and BRCA2-Associated Hereditary Breast and Ovarian Cancer; Hereditary breast and ovarian cancer syndrome; Hereditary breast and ovarian cancer syndrome (HBOC); Breast and ovarian cancer; Hereditary breast and/or ovarian cancer syndrome; Hereditary breast and ovarian cancer. Identifiers: Orphanet 145, MedGen C0677776, MeSH D061325, MONDO:0003582. Disease mechanism: loss of function.
Breast-ovarian cancer, familial, susceptibility to, 1 (BROVCA1). Also called: BRCA1 Hereditary Breast and Ovarian Cancer; OVARIAN CANCER, SUSCEPTIBILITY TO. Identifiers: Orphanet 145, MedGen C2676676, MONDO:0011450, OMIM 604370. Disease mechanism: loss of function.
BRCA1-related disorder. Also called: BRCA1-related condition.
Hereditary cancer-predisposing syndrome. Also called: Hereditary Cancer Syndrome; Hereditary neoplastic syndrome; Neoplastic Syndromes, Hereditary; Tumor predisposition. Identifiers: Orphanet 140162, MedGen C0027672, MeSH D009386, MONDO:0015356.

Allele frequency attached by ClinVar (database versions not stated): gnomAD 0.00003 and 0.00001; 1000 Genomes Project 0.00040; TOPMed 0.00004; 1000 Genomes Project 30x 0.00031; ExAC 0.00009.
gnomAD v4.1: 73 of 1,614,060 alleles (0.0045%); highest among the groups gnomAD compares: South Asian, 0.027%; 1 homozygote.

Submissions (15):

Evidence-based Network for the Interpretation of Germline Mutant Alleles (ENIGMA)
Classification: Benign for Breast-ovarian cancer, familial, susceptibility to, 1. Last evaluated: 2019-06-18. Review status: reviewed by expert panel. Criteria: ENIGMA BRCA1/2 Classification Criteria (2017-06-29). Collection method: curation. Allele origin: germline.
Comment: IARC class based on posterior probability from multifactorial likelihood analysis, thresholds for class as per Plon et al. 2008 (PMID: 18951446). Class 1 based on posterior probability = 0.000066

Labcorp Genetics (formerly Invitae), Labcorp
Classification: Likely benign for Hereditary breast ovarian cancer syndrome. Last evaluated: 2026-01-19. Review status: criteria provided, single submitter. Criteria: Invitae Variant Classification Sherloc (09022015). Collection method: clinical testing. Allele origin: germline. Not counted in ClinVar's aggregate classification.

Center for Genomic Medicine, Rigshospitalet, Copenhagen University Hospital
Classification: Benign. Last evaluated: 2025-03-04. Review status: criteria provided, single submitter. Criteria: ACMG Guidelines, 2015. Collection method: clinical testing. Allele origin: germline. Not counted in ClinVar's aggregate classification.

ARUP Laboratories, Molecular Genetics and Genomics, ARUP Laboratories
Classification: Benign. Last evaluated: 2025-02-18. Review status: criteria provided, single submitter. Criteria: ARUP Molecular Germline Variant Investigation Process 2024. Collection method: clinical testing. Allele origin: germline. Not counted in ClinVar's aggregate classification.

All of Us Research Program, National Institutes of Health
Classification: Likely benign for Breast-ovarian cancer, familial, susceptibility to, 1. Last evaluated: 2023-11-20. Review status: criteria provided, single submitter. Criteria: ACMG Guidelines, 2015. Collection method: clinical testing. Allele origin: germline. Inheritance: Autosomal dominant inheritance. Observed: 8 variant alleles, 8 heterozygotes. Not counted in ClinVar's aggregate classification.
Comment: This study involves interpretation of variants in research participants for the purpose of population health screening. Participant phenotype was not available at the time of variant classification. Additional details can be found in publication PMID: 35346344, PMCID: PMC8962531

Sema4
Classification: Likely benign for Hereditary cancer-predisposing syndrome. Last evaluated: 2021-11-23. Review status: criteria provided, single submitter. Criteria: Sema4 Curation Guidelines. Collection method: curation. Allele origin: germline. Not counted in ClinVar's aggregate classification.

Women's Health and Genetics/Laboratory Corporation of America, LabCorp
Classification: Benign. Last evaluated: 2021-02-21. Review status: criteria provided, single submitter. Criteria: LabCorp Variant Classification Summary - May 2015. Collection method: clinical testing. Allele origin: germline. Not counted in ClinVar's aggregate classification.
Comment: Variant summary: BRCA1 c.3541G>A (p.Val1181Ile) results in a conservative amino acid change in the encoded protein sequence. Five of five in-silico tools predict a benign effect of the variant on protein function. This variant has also been predicted to be neutral by studies based on sequence alignment, chemical difference measurement, and conservation analysis (Abkevich_2004, Pavlicek_2004). A recent report from the CAGI5 (fifth Critical Assessment of Genome Interpretation) challenge has classified this variant as benign (CAGI class 1) in a prediction protocol that includes assessment of the impact of this variant on splicing and protein function using four sets of predictors (Padilla_2019, Cline_2019). The variant allele was found at a frequency of 8e-05 in 273756 control chromosomes, predominantly at a frequency of 0.00046 within the South Asian subpopulation in the gnomAD database, including 1 homozygote. This frequency is not significantly higher than expected for a pathogenic variant in BRCA1 causing Hereditary Breast and Ovarian Cancer Syndrome (8e-05 vs 0.001), allowing no conclusion about variant significance. c.3541G>A, has been reported in the literature in individuals affected with Breast and Ovarian Cancer and in unaffected controls without strong evidence for causality (example, Konecny_2011, Judkins_2005, Yilmaz_2016, Zhang_2015, Momozawa_2018, Fujita_2020). These report(s) do not provide unequivocal conclusions about association of the variant with Hereditary Breast and Ovarian Cancer Syndrome. To our knowledge, no experimental evidence demonstrating an impact on protein function has been reported. Five clinical diagnostic laboratories and one expert panel (ENIGMA) have submitted clinical-significance assessments for this variant to ClinVar after 2014 without evidence for independent evaluation. All but one submitter has rendered a classification as benign (n=1, expert panel)/likely benign (n=4). Based on the lack of any evidence supporting an actionable outcome in a cross-sectional review of literature spanning at-least 16 years of evolution, and the predominant consensus among peers supporting a neutral outcome as outlined above, the variant was classified as benign.

Genetic Services Laboratory, University of Chicago
Classification: Uncertain significance. Last evaluated: 2021-01-08. Review status: criteria provided, single submitter. Criteria: ACMG Guidelines, 2015. Collection method: clinical testing. Allele origin: germline. Affected: no. Not counted in ClinVar's aggregate classification.
Comment: DNA sequence analysis of the BRCA1 gene demonstrated a sequence change, c.3541G>A, in exon 10 that results in an amino acid change, p.Val1181Ile. This sequence change has been described in the gnomAD database with a frequency of 0.046% in the South Asian sub-population (dbSNP rs56336919). The p.Val1181Ile change has been reported in one case-control study; however, its presence in cases versus controls was not specified (PMID: 30287823). Additionally, a different amino acid change at the same location, p.Val1181Ala, has been reported in association with breast and/or ovarian cancer (PMID: 30702160). The p.Val1181Ile change affects a moderately conserved amino acid residue located in a domain of the BRCA1 protein that is known to be functional. The p.Val1181Ile substitution appears to be benign using several in-silico pathogenicity prediction tools (SIFT, PolyPhen2, Align GVGD, REVEL). Due to these contrasting evidences and the lack of functional studies, the clinical significance of the p.Val1181Ile change remains unknown at this time.

Ambry Genetics
Classification: Likely benign for Hereditary cancer-predisposing syndrome. Last evaluated: 2019-11-18. Review status: criteria provided, single submitter. Criteria: Ambry Variant Classification Scheme 2023. Collection method: clinical testing. Allele origin: germline. Not counted in ClinVar's aggregate classification.

Quest Diagnostics Nichols Institute San Juan Capistrano
Classification: Likely benign. Last evaluated: 2019-04-24. Review status: criteria provided, single submitter. Criteria: Quest Diagnostics criteria. Collection method: clinical testing. Allele origin: germline. Not counted in ClinVar's aggregate classification.

GeneDx
Classification: Uncertain significance. Last evaluated: 2018-08-29. Review status: criteria provided, single submitter. Criteria: GeneDx Variant Classification (06012015). Collection method: clinical testing. Allele origin: germline. Affected: yes. Not counted in ClinVar's aggregate classification.
Comment: This variant is denoted BRCA1 c.3541G>A at the cDNA level, p.Val1181Ile (V1181I) at the protein level, and results in the change of a Valine to an Isoleucine (GTC>ATC). This variant, also known as 3660G>A using alternate nomenclature, was observed in at least one individual with a family history of breast and/or ovarian cancer (Konecny 2011). BRCA1 Val1181Ile was observed at an allele frequency of 0.05% (14/30,778) in individuals of South Asian ancestry in large population cohorts (Lek 2016). This variant is not located in a known functional domain. In silico analysis, which includes protein predictors and evolutionary conservation, supports that this variant does not alter protein structure/function. Based on currently available evidence, it is unclear whether BRCA1 Val1181Ile is a pathogenic or benign variant. We consider it to be a variant of uncertain significance.

Color Diagnostics, LLC DBA Color Health
Classification: Likely benign for Hereditary cancer-predisposing syndrome. Last evaluated: 2016-05-11. Review status: criteria provided, single submitter. Criteria: ACMG Guidelines, 2015. Collection method: clinical testing. Allele origin: germline. Not counted in ClinVar's aggregate classification.

PreventionGenetics, part of Exact Sciences
Classification: Likely benign for BRCA1-related condition. Last evaluated: 2023-04-27. Review status: no assertion criteria provided. Collection method: clinical testing. Allele origin: germline. Not counted in ClinVar's aggregate classification.
Comment: This variant is classified as likely benign based on ACMG/AMP sequence variant interpretation guidelines (Richards et al. 2015 PMID: 25741868, with internal and published modifications).

Breast Cancer Information Core (BIC) (BRCA1)
Classification: Uncertain significance for Breast-ovarian cancer, familial 1. Last evaluated: 2002-05-29. Review status: no assertion criteria provided. Collection method: clinical testing. Allele origin: germline. Affected: yes. Observed: 3 variant alleles. Not counted in ClinVar's aggregate classification.

Department of Pathology and Laboratory Medicine, Sinai Health System
Classification: Likely benign. Review status: no assertion criteria provided. Collection method: clinical testing. Allele origin: unknown. Affected: yes. Observed: 7 variant alleles. Study: The Canadian Open Genetics Repository (COGR). Not counted in ClinVar's aggregate classification.

Literature cited by the submitters: PubMed 31131967 (cited by Evidence-based Network for the Interpretation of Germline Mutant Alleles (ENIGMA)); PubMed 16267036 (cited by Women's Health and Genetics/Laboratory Corporation of America, LabCorp and Quest Diagnostics Nichols Institute San Juan Capistrano); PubMed 15385441 (cited by Women's Health and Genetics/Laboratory Corporation of America, LabCorp and Quest Diagnostics Nichols Institute San Juan Capistrano); PubMed 15235020 (cited by 3 submitters); PubMed 21203900 (cited by 3 submitters); PubMed 25348012 (cited by Women's Health and Genetics/Laboratory Corporation of America, LabCorp and Quest Diagnostics Nichols Institute San Juan Capistrano); PubMed 27403073 (cited by 3 submitters); PubMed 26580448 (cited by Women's Health and Genetics/Laboratory Corporation of America, LabCorp); PubMed 30287823 (cited by Women's Health and Genetics/Laboratory Corporation of America, LabCorp and Ambry Genetics); PubMed 30039884 (cited by Women's Health and Genetics/Laboratory Corporation of America, LabCorp); PubMed 31112341 (cited by Women's Health and Genetics/Laboratory Corporation of America, LabCorp); PubMed 31294896 (cited by Women's Health and Genetics/Laboratory Corporation of America, LabCorp); PubMed 33309985 (cited by Women's Health and Genetics/Laboratory Corporation of America, LabCorp); PubMed 30078507 (cited by Ambry Genetics).

NM_007294.4(BRCA1):c.3541G>A (p.Val1181Ile)

Genes: BRCA1 (BRCA1 DNA repair associated; minus strand), LOC126862571 (BRD4-independent group 4 enhancer GRCh37_chr17:41243136-41244335; plus strand). Cytogenetic location: 17q21.31.
Variant type: single nucleotide variant.
Coding change: c.3541G>A on transcript NM_007294.4 (MANE Select); coding-DNA position 3541, G replaced by A.
Protein change: p.Val1181Ile; replaces valine 1181 with isoleucine.
Molecular consequence: missense variant. On other transcripts: intron variant (135).
Genome position (GRCh38, 1-based): chr17:43,091,990, C>T on the plus strand (G>A on the coding strand, the complement: BRCA1 is on the minus strand). VCF-style: chr17-43091990-C-T. GRCh37 (hg19) VCF-style: chr17-41244007-C-T.
Other names: p.V1181I:GTC>ATC; c.3397G>A, p.Val1133Ile (NM_001407839.1, NM_001407841.1, NM_001407842.1 and 20 more transcripts); c.3400G>A, p.Val1134Ile (NM_001407850.1, NM_001407851.1, NM_001407852.1 and 29 more transcripts); c.3328G>A, p.Val1110Ile (NM_001407853.1, NM_001407894.1, NM_001407895.1 and 9 more transcripts); c.3541G>A, p.Val1181Ile (NM_001407854.1, NM_001407858.1, NM_001407859.1 and 30 more transcripts); c.3538G>A, p.Val1180Ile (NM_001407860.1, NM_001407861.1, NM_001407587.1 and 22 more transcripts); c.3340G>A, p.Val1114Ile (NM_001407862.1); c.3418G>A, p.Val1140Ile (NM_001407863.1, NM_001407919.1, NM_001407937.1 and 19 more transcripts); and 42 more; short protein forms V1181I, V1134I, V1053I, V1093I, V1110I, V1111I, V1133I, V1178I.
Identifiers: ClinVar variation 54911 (VCV000054911.44), dbSNP rs56336919, ClinGen allele CA002264.